The following is an entry in ClinVar:

NM_001271.4(CHD2):c.2257A>G (p.Asn753Asp)

Gene: CHD2 (chromodomain helicase DNA binding protein 2; plus strand). Cytogenetic location: 15q26.1.
Variant type: single nucleotide variant.
Coding change: c.2257A>G on transcript NM_001271.4 (MANE Select); coding-DNA position 2257, A replaced by G.
Protein change: p.Asn753Asp; replaces asparagine 753 with aspartic acid.
Molecular consequence: missense variant.
Genome position (GRCh38, 1-based): chr15:92,971,832, A>G. VCF-style: chr15-92971832-A-G. GRCh37 (hg19) VCF-style: chr15-93515062-A-G.
Other names: short protein forms N753D.
Identifiers: ClinVar variation 1501866 (VCV001501866.8), dbSNP rs2141835724, ClinGen allele CA393892869.

ClinVar aggregate classification (germline): Uncertain significance (1 of 4 stars; one submission).

Conditions:
Developmental and epileptic encephalopathy 94 (DEE94). Also called: Epileptic encephalopathy, childhood-onset; CHD2-Related Neurodevelopmental Disorders. Identifiers: Orphanet 1942, Orphanet 2382, MedGen C3809278, MONDO:0014150, OMIM 615369.

Submission:

Labcorp Genetics (formerly Invitae), Labcorp
Classification: Uncertain significance for Developmental and epileptic encephalopathy 94. Last evaluated: 2021-12-02. Review status: criteria provided, single submitter. Criteria: Invitae Variant Classification Sherloc (09022015). Collection method: clinical testing. Allele origin: germline.
Comment: This variant is not present in population databases (gnomAD no frequency). In summary, the available evidence is currently insufficient to determine the role of this variant in disease. Therefore, it has been classified as a Variant of Uncertain Significance. Advanced modeling of protein sequence and biophysical properties (such as structural, functional, and spatial information, amino acid conservation, physicochemical variation, residue mobility, and thermodynamic stability) performed at Invitae indicates that this missense variant is not expected to disrupt CHD2 protein function. This variant has not been reported in the literature in individuals affected with CHD2-related conditions. This sequence change replaces asparagine, which is neutral and polar, with aspartic acid, which is acidic and polar, at codon 753 of the CHD2 protein (p.Asn753Asp).